The following is an entry in ClinVar:

NM_001458.5(FLNC):c.506_508delinsCCA (p.Ile169_Gln170delinsThrLys)

Gene: FLNC (filamin C; plus strand). Cytogenetic location: 7q32.1.
Variant type: Indel.
Coding change: c.506_508delinsCCA on transcript NM_001458.5 (MANE Select); coding-DNA positions 506 to 508, TCC replaced by CCA.
Protein change: p.Ile169_Gln170delinsThrLys.
Molecular consequence: missense variant.
Genome position (GRCh38, 1-based): chr7:128,835,479-128,835,481, TCC replaced by CCA. VCF-style: chr7-128835479-TCC-CCA. GRCh37 (hg19) VCF-style: chr7-128475533-TCC-CCA.
Other names: c.506_508delinsCCA, p.Ile169_Gln170delinsThrLys (NM_001127487.2).
Identifiers: ClinVar variation 1303584 (VCV001303584.2), dbSNP rs2128933660, ClinGen allele CA2573052810.

ClinVar aggregate classification (germline): Uncertain significance (1 of 4 stars; one submission).

Submission:

GeneDx
Classification: Uncertain significance. Last evaluated: 2020-04-17. Review status: criteria provided, single submitter. Criteria: GeneDx Variant Classification Process June 2021. Collection method: clinical testing. Allele origin: germline. Affected: yes.
Comment: Not observed in large population cohorts (Lek et al., 2016); In silico analysis supports a deleterious effect on protein structure/function; Has not been previously published as pathogenic or benign to our knowledge